The following is an entry in ClinVar:

NM_152564.5(VPS13B):c.11474A>G (p.Asn3825Ser)

Gene: VPS13B (vacuolar protein sorting 13 homolog B; plus strand). Cytogenetic location: 8q22.2.
Variant type: single nucleotide variant.
Coding change: c.11474A>G on transcript NM_152564.5 (MANE Select); coding-DNA position 11474, A replaced by G.
Protein change: p.Asn3825Ser; replaces asparagine 3825 with serine.
Molecular consequence: missense variant.
Genome position (GRCh38, 1-based): chr8:99,870,866, A>G. VCF-style: chr8-99870866-A-G. GRCh37 (hg19) VCF-style: chr8-100883094-A-G.
Other names: c.11549A>G, p.Asn3850Ser (NM_017890.5); c.11474A>G (NM_152564.4); short protein forms N3825S, N3850S.
Identifiers: ClinVar variation 528845 (VCV000528845.11), dbSNP rs199741560, ClinGen allele CA4825246.

ClinVar aggregate classification (germline): Uncertain significance. Review status: criteria provided, multiple submitters, no conflicts (2 of 4 stars). 5 submissions from 5 submitters: Uncertain significance (4). 1 of the submissions does not count toward it. Last evaluated 2026-06-24.

Conditions:
Cohen syndrome (COH1). Also called: PEPPER SYNDROME; Cutis verticis gyrata, retinitis pigmentosa, and sensorineural deafness. Identifiers: Orphanet 193, MedGen C0265223, MONDO:0008999, OMIM 216550.
VPS13B-related disorder. Also called: VPS13B-related condition.

Allele frequency attached by ClinVar (database versions not stated): gnomAD exomes 0.00007 and 0.00012; ExAC 0.00008; gnomAD 0.00011 and 0.00014; TOPMed 0.00013; ESP Exome Variant Server 0.00015.
gnomAD v4.1: 182 of 1,614,092 alleles (0.011%); highest among the groups gnomAD compares: Non-Finnish European, 0.014%; no homozygotes.

Submissions (5):

PreventionGenetics, part of Exact Sciences
Classification: Uncertain significance for VPS13B-related condition. Last evaluated: 2026-06-24. Review status: criteria provided, single submitter. Criteria: ACMG Guidelines, 2015. Collection method: clinical testing. Allele origin: germline.
Comment: The VPS13B c.11474A>G variant is predicted to result in the amino acid substitution p.Asn3825Ser. To our knowledge, this variant has not been reported in the literature. This variant is reported in 0.015% of alleles in individuals of European (Non-Finnish) descent in gnomAD. At this time, the clinical significance of this variant is uncertain due to the absence of conclusive functional and genetic evidence.

Blueprint Genetics
Classification: Uncertain significance. Last evaluated: 2022-09-08. Review status: criteria provided, single submitter. Criteria: ACMG Guidelines, 2015. Collection method: clinical testing. Allele origin: germline.

Labcorp Genetics (formerly Invitae), Labcorp
Classification: Uncertain significance for Cohen syndrome. Last evaluated: 2022-07-12. Review status: criteria provided, single submitter. Criteria: Invitae Variant Classification Sherloc (09022015). Collection method: clinical testing. Allele origin: germline.
Comment: This sequence change replaces asparagine, which is neutral and polar, with serine, which is neutral and polar, at codon 3850 of the VPS13B protein (p.Asn3850Ser). This variant is present in population databases (rs199741560, gnomAD 0.01%). This variant has not been reported in the literature in individuals affected with VPS13B-related conditions. ClinVar contains an entry for this variant (Variation ID: 528845). Algorithms developed to predict the effect of missense changes on protein structure and function are either unavailable or do not agree on the potential impact of this missense change (SIFT: "Not Available"; PolyPhen-2: "Benign"; Align-GVGD: "Not Available"). In summary, the available evidence is currently insufficient to determine the role of this variant in disease. Therefore, it has been classified as a Variant of Uncertain Significance.

GeneDx
Classification: Uncertain significance. Last evaluated: 2022-01-17. Review status: criteria provided, single submitter. Criteria: GeneDx Variant Classification Process June 2021. Collection method: clinical testing. Allele origin: germline. Affected: yes.
Comment: Not observed at significant frequency in large population cohorts (gnomAD); In silico analysis supports that this missense variant has a deleterious effect on protein structure/function; Has not been previously published as pathogenic or benign to our knowledge

Natera, Inc.
Classification: Uncertain significance for Cohen syndrome. Last evaluated: 2019-11-11. Review status: no assertion criteria provided. Collection method: clinical testing. Allele origin: germline. Not counted in ClinVar's aggregate classification.